The following is an entry in ClinVar:

NM_006929.5(SKIC2):c.1246G>T (p.Asp416Tyr)

Genes: SKIC2 (SKI2 subunit of superkiller complex; plus strand), LOC126859653 (CDK7 strongly-dependent group 2 enhancer GRCh37_chr6:31929542-31930741; plus strand). Cytogenetic location: 6p21.33.
Variant type: single nucleotide variant.
Coding change: c.1246G>T on transcript NM_006929.5 (MANE Select); coding-DNA position 1246, G replaced by T.
Protein change: p.Asp416Tyr; replaces aspartic acid 416 with tyrosine.
Molecular consequence: missense variant.
Genome position (GRCh38, 1-based): chr6:31,962,748, G>T. VCF-style: chr6-31962748-G-T. GRCh37 (hg19) VCF-style: chr6-31930525-G-T.
Other names: short protein forms D416Y.
Identifiers: ClinVar variation 2010132 (VCV002010132.1), dbSNP rs2482925645, ClinGen allele CA363454418.

ClinVar aggregate classification (germline): Uncertain significance (1 of 4 stars; one submission).

gnomAD v4.1: 2 of 1,612,890 alleles (0.00012%); highest among the groups gnomAD compares: Non-Finnish European, 0.00017%; no homozygotes.

Submission:

Labcorp Genetics (formerly Invitae), Labcorp
Classification: Uncertain significance. Last evaluated: 2022-06-24. Review status: criteria provided, single submitter. Criteria: Invitae Variant Classification Sherloc (09022015). Collection method: clinical testing. Allele origin: germline.
Comment: This sequence change replaces aspartic acid, which is acidic and polar, with tyrosine, which is neutral and polar, at codon 416 of the SKIV2L protein (p.Asp416Tyr). This variant is not present in population databases (gnomAD no frequency). This variant has not been reported in the literature in individuals affected with SKIV2L-related conditions. Algorithms developed to predict the effect of missense changes on protein structure and function are either unavailable or do not agree on the potential impact of this missense change (SIFT: "Deleterious"; PolyPhen-2: "Probably Damaging"; Align-GVGD: "Class C15"). In summary, the available evidence is currently insufficient to determine the role of this variant in disease. Therefore, it has been classified as a Variant of Uncertain Significance.